The following is an entry in ClinVar:

ClinVar aggregate classification (germline): Pathogenic (1 of 4 stars; one submission).

Submission:

GeneDx
Classification: Pathogenic. Last evaluated: 2018-01-29. Review status: criteria provided, single submitter. Criteria: GeneDx Variant Classification (06012015). Collection method: clinical testing. Allele origin: germline. Affected: yes.
Comment: The W123X variant in the SATB2 gene has not been reported previously as a pathogenic variant nor as a benign variant, to our knowledge. This variant is predicted to cause loss of normal protein function either through protein truncation or nonsense-mediated mRNA decay. The W123X variant is not observed in large population cohorts (Lek et al., 2016). We interpret W123X as a pathogenic variant.

NM_001172509.2(SATB2):c.369del (p.Arg122_Trp123insTer)

Gene: SATB2 (SATB homeobox 2; minus strand). Cytogenetic location: 2q33.1.
Variant type: Deletion.
Coding change: c.369del on transcript NM_001172509.2 (MANE Select); coding-DNA position 369, one base deleted (G; older notation c.369delG).
Protein change: p.Arg122_Trp123insTer.
Molecular consequence: nonsense.
Genome position (GRCh38, 1-based): chr2:199,381,798, C deleted on the plus strand (G on the coding strand, the reverse complement: SATB2 is on the minus strand); the first of 2 consecutive C bases (chr2:199,381,798-199,381,799); deleting either gives the same sequence. VCF-style (leftmost placement, unchanged base first): chr2-199381797-TC-T. GRCh37 (hg19) VCF-style: chr2-200246520-TC-T.
Other names: c.369del, p.Arg122_Trp123insTer (NM_001172517.1, NM_015265.4).
Identifiers: ClinVar variation 504250 (VCV000504250.2), dbSNP rs1553496413, ClinGen allele CA658796139.